The following is an entry in ClinVar:

ClinVar aggregate classification (germline): Uncertain significance (1 of 4 stars; one submission).

Conditions:
Aortic aneurysm, familial thoracic 6 (AAT6). Also called: FAMILIAL THORACIC AORTIC ANEURYSM WITH LIVEDO RETICULARIS AND IRIS FLOCCULI. Identifiers: MedGen C2673186, MONDO:0012730, OMIM 611788.

gnomAD v4.1: 2 of 1,613,912 alleles (0.00012%); highest among the groups gnomAD compares: Non-Finnish European, 0.00017%; no homozygotes.

Submission:

Labcorp Genetics (formerly Invitae), Labcorp
Classification: Uncertain significance for Aortic aneurysm, familial thoracic 6. Last evaluated: 2024-03-21. Review status: criteria provided, single submitter. Criteria: Invitae Variant Classification Sherloc (09022015). Collection method: clinical testing. Allele origin: germline.
Comment: This sequence change replaces threonine, which is neutral and polar, with isoleucine, which is neutral and non-polar, at codon 105 of the ACTA2 protein (p.Thr105Ile). This variant is not present in population databases (gnomAD no frequency). This variant has not been reported in the literature in individuals affected with ACTA2-related conditions. Advanced modeling of protein sequence and biophysical properties (such as structural, functional, and spatial information, amino acid conservation, physicochemical variation, residue mobility, and thermodynamic stability) performed at Invitae indicates that this missense variant is not expected to disrupt ACTA2 protein function with a negative predictive value of 80%. In summary, the available evidence is currently insufficient to determine the role of this variant in disease. Therefore, it has been classified as a Variant of Uncertain Significance.

NM_001613.4(ACTA2):c.314C>T (p.Thr105Ile)

Gene: ACTA2 (actin alpha 2, smooth muscle; minus strand). Cytogenetic location: 10q23.31.
Variant type: single nucleotide variant.
Coding change: c.314C>T on transcript NM_001613.4 (MANE Select); coding-DNA position 314, C replaced by T.
Protein change: p.Thr105Ile; replaces threonine 105 with isoleucine.
Molecular consequence: missense variant. On other transcripts: intron variant (1).
Genome position (GRCh38, 1-based): chr10:88,943,852, G>A on the plus strand (C>T on the coding strand, the complement: ACTA2 is on the minus strand). VCF-style: chr10-88943852-G-A. GRCh37 (hg19) VCF-style: chr10-90703609-G-A.
Other names: c.314C>T, p.Thr105Ile (NM_001141945.3, NM_001320855.2, NM_001406462.1 and 3 more transcripts); c.185C>T, p.Thr62Ile (NM_001406467.1, NM_001406468.1, NM_001406469.1); c.259-1983C>T (NM_001406466.1); short protein forms T105I, T62I.
Identifiers: ClinVar variation 3705530 (VCV003705530.2).